The following is an entry in ClinVar:

ClinVar aggregate classification (germline): Uncertain significance (1 of 4 stars; one submission).

Conditions:
Spermatogenic failure 18. Identifiers: MedGen C4539783, MONDO:0054615, OMIM 617576.
Ciliary dyskinesia, primary, 37 (CILD37). Also called: CILIARY DYSKINESIA, PRIMARY, 37, WITH OR WITHOUT SITUS INVERSUS. Identifiers: MedGen C4539798, MONDO:0033204, OMIM 617577.

Allele frequency attached by ClinVar (database versions not stated): TOPMed 0.00001; gnomAD 0.00003.
gnomAD v4.1: 18 of 1,613,870 alleles (0.0011%); highest among the groups gnomAD compares: East Asian, 0.029%; no homozygotes.

Submission:

Labcorp Genetics (formerly Invitae), Labcorp
Classification: Uncertain significance for Ciliary dyskinesia, primary, 37; Spermatogenic failure 18. Last evaluated: 2023-06-25. Review status: criteria provided, single submitter. Criteria: Invitae Variant Classification Sherloc (09022015). Collection method: clinical testing. Allele origin: germline.
Comment: This sequence change replaces alanine, which is neutral and non-polar, with threonine, which is neutral and polar, at codon 1047 of the DNAH1 protein (p.Ala1047Thr). This variant is present in population databases (no rsID available, gnomAD 0.007%). This variant has not been reported in the literature in individuals affected with DNAH1-related conditions. ClinVar contains an entry for this variant (Variation ID: 845649). Advanced modeling of protein sequence and biophysical properties (such as structural, functional, and spatial information, amino acid conservation, physicochemical variation, residue mobility, and thermodynamic stability) performed at Invitae indicates that this missense variant is not expected to disrupt DNAH1 protein function. In summary, the available evidence is currently insufficient to determine the role of this variant in disease. Therefore, it has been classified as a Variant of Uncertain Significance.

NM_015512.5(DNAH1):c.3139G>A (p.Ala1047Thr)

Gene: DNAH1 (dynein axonemal heavy chain 1; plus strand). Cytogenetic location: 3p21.1.
Variant type: single nucleotide variant.
Coding change: c.3139G>A on transcript NM_015512.5 (MANE Select); coding-DNA position 3139, G replaced by A.
Protein change: p.Ala1047Thr; replaces alanine 1047 with threonine.
Molecular consequence: missense variant.
Genome position (GRCh38, 1-based): chr3:52,353,214, G>A. VCF-style: chr3-52353214-G-A. GRCh37 (hg19) VCF-style: chr3-52387230-G-A.
Other names: short protein forms A1047T.
Identifiers: ClinVar variation 845649 (VCV000845649.7), dbSNP rs1296069584, ClinGen allele CA353111668.